The following is an entry in ClinVar:

NM_030777.4(SLC2A10):c.530T>C (p.Leu177Pro)

Gene: SLC2A10 (solute carrier family 2 member 10; plus strand). Cytogenetic location: 20q13.12.
Variant type: single nucleotide variant.
Coding change: c.530T>C on transcript NM_030777.4 (MANE Select); coding-DNA position 530, T replaced by C.
Protein change: p.Leu177Pro; replaces leucine 177 with proline.
Molecular consequence: missense variant.
Genome position (GRCh38, 1-based): chr20:46,725,566, T>C. VCF-style: chr20-46725566-T-C. GRCh37 (hg19) VCF-style: chr20-45354205-T-C.
Other names: short protein forms L177P.
Identifiers: ClinVar variation 571102 (VCV000571102.6), dbSNP rs777214287, ClinGen allele CA9891994.
Genomic context (GRCh38, chr20:46,725,566, plus strand): 5'-TGGCTGGTACCCCCTGGGGATGGAGGCACATGTTCGGCTGGGCCACTGCACCTGCTGTCC[T>C]GCAATCCCTCAGCCTCCTCTTCCTCCCTGCTGGTACAGATGAGACTGCAACACACAAGGA-3'
Protein context (NP_110404.1, residues 167-187): MFGWATAPAV[Leu177Pro]QSLSLLFLPA

ClinVar aggregate classification (germline): Uncertain significance (1 of 4 stars; one submission).

Conditions:
Arterial tortuosity syndrome (ATORS). Identifiers: Orphanet 3342, MedGen C1859726, MONDO:0008818, OMIM 208050.

Allele frequency attached by ClinVar (database versions not stated): gnomAD exomes below 0.00001 and 0.00002; ExAC 0.00002; TOPMed 0.00002.
gnomAD v4.1: 7 of 1,614,198 alleles (0.00043%); highest among the groups gnomAD compares: East Asian, 0.016%; no homozygotes.

Submission:

Labcorp Genetics (formerly Invitae), Labcorp
Classification: Uncertain significance for Arterial tortuosity syndrome. Last evaluated: 2021-08-31. Review status: criteria provided, single submitter. Criteria: Invitae Variant Classification Sherloc (09022015). Collection method: clinical testing. Allele origin: germline.
Comment: This sequence change replaces leucine with proline at codon 177 of the SLC2A10 protein (p.Leu177Pro). The leucine residue is moderately conserved and there is a moderate physicochemical difference between leucine and proline. This variant is present in population databases (rs777214287, ExAC 0.02%). This variant has not been reported in the literature in individuals affected with SLC2A10-related conditions. Algorithms developed to predict the effect of missense changes on protein structure and function are either unavailable or do not agree on the potential impact of this missense change (SIFT: "Deleterious"; PolyPhen-2: "Benign"; Align-GVGD: "Class C35"). In summary, the available evidence is currently insufficient to determine the role of this variant in disease. Therefore, it has been classified as a Variant of Uncertain Significance.